The following is an entry in ClinVar:

ClinVar aggregate classification (germline): Benign/Likely benign. Review status: criteria provided, multiple submitters, no conflicts (2 of 4 stars). 2 submissions from 2 submitters: Benign (1); Likely benign (1). Last evaluated 2024-02-22.

Conditions:
Familial adenomatous polyposis 1 (FAP1). Also called: POLYPOSIS, ADENOMATOUS INTESTINAL; FAMILIAL ADENOMATOUS POLYPOSIS 1, ATTENUATED. Identifiers: MedGen C2713442, MONDO:0021056, OMIM 175100. Disease mechanism: loss of function.

Submissions (2):

Myriad Genetics, Inc.
Classification: Benign for Familial adenomatous polyposis 1. Last evaluated: 2024-02-22. Review status: criteria provided, single submitter. Criteria: Myriad Autosomal Dominant, Autosomal Recessive and X-Linked Classification Criteria (2023). Collection method: clinical testing. Allele origin: unknown.
Comment: This variant is considered benign. This variant is a silent/synonymous amino acid change and it is not expected to impact splicing.

Labcorp Genetics (formerly Invitae), Labcorp
Classification: Likely benign for Familial adenomatous polyposis 1. Last evaluated: 2024-02-17. Review status: criteria provided, single submitter. Criteria: Invitae Variant Classification Sherloc (09022015). Collection method: clinical testing. Allele origin: germline.

NM_000038.6(APC):c.303A>G (p.Gly101=)

Gene: APC (APC regulator of Wnt signaling pathway; plus strand). Cytogenetic location: 5q22.2.
Variant type: single nucleotide variant.
Coding change: c.303A>G on transcript NM_000038.6 (MANE Select); coding-DNA position 303, A replaced by G.
Protein change: p.Gly101=; no amino-acid change (glycine 101 retained).
Molecular consequence: synonymous variant. On other transcripts: 5 prime UTR variant (1).
Genome position (GRCh38, 1-based): chr5:112,767,271, A>G. VCF-style: chr5-112767271-A-G. GRCh37 (hg19) VCF-style: chr5-112102968-A-G.
Other names: c.303A>G, p.Gly101= (NM_001127510.3, NM_001354895.2, NM_001354896.2 and 2 more transcripts); c.333A>G, p.Gly111= (NM_001127511.3, NM_001354897.2, NM_001354902.2); c.228A>G, p.Gly76= (NM_001354898.2, NM_001354904.2); c.126A>G, p.Gly42= (NM_001354900.2, NM_001354901.2, NM_001354905.2); c.-733A>G (NM_001354906.2).
Identifiers: ClinVar variation 934695 (VCV000934695.12), dbSNP rs1756452016, ClinGen allele CA445753318.
Genomic context (GRCh38, chr5:112,767,271, plus strand): 5'-TTTCCCTGGAGTAAAACTGCGGTCAAAAATGTCCCTCCGTTCTTATGGAAGCCGGGAAGG[A>G]TCTGTATCAAGCCGTTCTGGAGAGTGCAGTCCTGTTCCTATGGGTTCATTTCCAAGAAGA-3'
Protein context (NP_000029.2, residues 91-111): MSLRSYGSRE[Gly101=]SVSSRSGECS